The following is an entry in ClinVar:

NM_000836.4(GRIN2D):c.1402C>G (p.Arg468Gly)

Gene: GRIN2D (glutamate ionotropic receptor NMDA type subunit 2D; plus strand). Cytogenetic location: 19q13.33.
Variant type: single nucleotide variant.
Coding change: c.1402C>G on transcript NM_000836.4 (MANE Select); coding-DNA position 1402, C replaced by G.
Protein change: p.Arg468Gly; replaces arginine 468 with glycine.
Molecular consequence: missense variant.
Genome position (GRCh38, 1-based): chr19:48,414,574, C>G. VCF-style: chr19-48414574-C-G. GRCh37 (hg19) VCF-style: chr19-48917831-C-G.
Other names: short protein forms R468G.
Identifiers: ClinVar variation 3612961 (VCV003612961.2).

ClinVar aggregate classification (germline): Uncertain significance (1 of 4 stars; one submission).

Submission:

Labcorp Genetics (formerly Invitae), Labcorp
Classification: Uncertain significance. Last evaluated: 2024-11-01. Review status: criteria provided, single submitter. Criteria: Invitae Variant Classification Sherloc (09022015). Collection method: clinical testing. Allele origin: germline.
Comment: This sequence change replaces arginine, which is basic and polar, with glycine, which is neutral and non-polar, at codon 468 of the GRIN2D protein (p.Arg468Gly). This variant is not present in population databases (gnomAD no frequency). This variant has not been reported in the literature in individuals affected with GRIN2D-related conditions. Invitae Evidence Modeling of protein sequence and biophysical properties (such as structural, functional, and spatial information, amino acid conservation, physicochemical variation, residue mobility, and thermodynamic stability) indicates that this missense variant is not expected to disrupt GRIN2D protein function with a negative predictive value of 80%. In summary, the available evidence is currently insufficient to determine the role of this variant in disease. Therefore, it has been classified as a Variant of Uncertain Significance.